The following is an entry in ClinVar:

NM_080680.3(COL11A2):c.5031G>T (p.Glu1677Asp)

Gene: COL11A2 (collagen type XI alpha 2 chain; minus strand). Cytogenetic location: 6p21.32.
Variant type: single nucleotide variant.
Coding change: c.5031G>T on transcript NM_080680.3 (MANE Select); coding-DNA position 5031, G replaced by T.
Protein change: p.Glu1677Asp; replaces glutamic acid 1677 with aspartic acid.
Molecular consequence: missense variant.
Genome position (GRCh38, 1-based): chr6:33,164,306, C>A on the plus strand (G>T on the coding strand, the complement: COL11A2 is on the minus strand). VCF-style: chr6-33164306-C-A. GRCh37 (hg19) VCF-style: chr6-33132083-C-A.
Other names: c.4710G>T, p.Glu1570Asp (NM_080679.3); c.4773G>T, p.Glu1591Asp (NM_080681.3); short protein forms E1570D, E1591D, E1677D.
Identifiers: ClinVar variation 1700461 (VCV001700461.2), dbSNP rs1279705980, ClinGen allele CA363615938.

ClinVar aggregate classification (germline): Uncertain significance (1 of 4 stars; one submission).

Allele frequency attached by ClinVar (database versions not stated): gnomAD exomes below 0.00001 and 0.00001.
gnomAD v4.1: 14 of 1,613,010 alleles (0.00087%); highest among the groups gnomAD compares: Non-Finnish European, 0.0012%; no homozygotes.

Submission:

GeneDx
Classification: Uncertain significance. Last evaluated: 2022-02-07. Review status: criteria provided, single submitter. Criteria: GeneDx Variant Classification Process June 2021. Collection method: clinical testing. Allele origin: germline. Affected: yes.
Comment: Not observed at significant frequency in large population cohorts (gnomAD); In silico analysis supports that this missense variant does not alter protein structure/function; Has not been previously published as pathogenic or benign to our knowledge